The following is an entry in ClinVar:

ClinVar aggregate classification (germline): Uncertain significance. Review status: criteria provided, multiple submitters, no conflicts (2 of 4 stars). 2 submissions from 2 submitters: Uncertain significance (2). Last evaluated 2025-09-22.

Allele frequency attached by ClinVar (database versions not stated): ExAC 0.00002; TOPMed 0.00003; gnomAD 0.00006; ESP Exome Variant Server 0.00008; gnomAD exomes 0.00001.
gnomAD v4.1: 20 of 1,613,620 alleles (0.0012%); highest among the groups gnomAD compares: African/African-American, 0.0067%; no homozygotes.

Submissions (2):

Women's Health and Genetics/Laboratory Corporation of America, LabCorp
Classification: Uncertain significance. Last evaluated: 2025-09-22. Review status: criteria provided, single submitter. Criteria: LabCorp Variant Classification Summary - May 2015. Collection method: clinical testing. Allele origin: germline.
Comment: Variant summary: DGKE c.97C>T (p.Pro33Ser) results in a non-conservative amino acid change in the encoded protein sequence. Algorithms developed to predict the effect of missense changes on protein structure and function are either unavailable or do not agree on the potential impact of this missense change. The variant allele was found at a frequency of 1.6e-05 in 250054 control chromosomes (gnomAD). The available data on variant occurrences in the general population are insufficient to allow any conclusion about variant significance. To our knowledge, no occurrence of c.97C>T in individuals affected with DGKE-related conditions and no experimental evidence demonstrating its impact on protein function have been reported. ClinVar contains an entry for this variant (Variation ID: 2193200). Based on the evidence outlined above, the variant was classified as uncertain significance.

Labcorp Genetics (formerly Invitae), Labcorp
Classification: Uncertain significance. Last evaluated: 2022-07-23. Review status: criteria provided, single submitter. Criteria: Invitae Variant Classification Sherloc (09022015). Collection method: clinical testing. Allele origin: germline.
Comment: In summary, the available evidence is currently insufficient to determine the role of this variant in disease. Therefore, it has been classified as a Variant of Uncertain Significance. Algorithms developed to predict the effect of missense changes on protein structure and function are either unavailable or do not agree on the potential impact of this missense change (SIFT: "Tolerated"; PolyPhen-2: "Probably Damaging"; Align-GVGD: "Class C0"). This variant has not been reported in the literature in individuals affected with DGKE-related conditions. This variant is present in population databases (rs376469683, gnomAD 0.008%). This sequence change replaces proline, which is neutral and non-polar, with serine, which is neutral and polar, at codon 33 of the DGKE protein (p.Pro33Ser).

NM_003647.3(DGKE):c.97C>T (p.Pro33Ser)

Gene: DGKE (diacylglycerol kinase epsilon; plus strand). Cytogenetic location: 17q22.
Variant type: single nucleotide variant.
Coding change: c.97C>T on transcript NM_003647.3 (MANE Select); coding-DNA position 97, C replaced by T.
Protein change: p.Pro33Ser; replaces proline 33 with serine.
Molecular consequence: missense variant.
Genome position (GRCh38, 1-based): chr17:56,834,892, C>T. VCF-style: chr17-56834892-C-T. GRCh37 (hg19) VCF-style: chr17-54912253-C-T.
Other names: short protein forms P33S.
Identifiers: ClinVar variation 2193200 (VCV002193200.4), dbSNP rs376469683, ClinGen allele CA8663422.